The following is an entry in ClinVar:

ClinVar aggregate classification (germline): Uncertain significance (1 of 4 stars; one submission).

Conditions:
Atrioventricular septal defect, susceptibility to, 2. Identifiers: MedGen C1853508, MONDO:0011650, OMIM 606217.

gnomAD v4.1: 2 of 1,607,814 alleles (0.00012%); highest among the groups gnomAD compares: Non-Finnish European, 0.00017%; no homozygotes.

Submission:

OLLIN Analises Genomicas, OLLIN
Classification: Uncertain significance for Atrioventricular septal defect, susceptibility to, 2. Last evaluated: 2026-08-06. Review status: criteria provided, single submitter. Criteria: ACMG Guidelines 2015 PMID 25741868. Collection method: clinical testing. Allele origin: germline. Inheritance: Autosomal dominant inheritance.
Comment: This missense variant, located in exon 4 (of 11), has been observed in gnomAD with an allele frequency of 0.00012%, but has not been reported in ClinVar or identified in the literature. In silico analysis predicts that this variant has a tolerated effect. According to the currently available evidence, this variant has been classified as uncertain significance (PM2_P, BP4_S).

NM_001077415.3(CRELD1):c.352A>G (p.Ser118Gly)

Gene: CRELD1 (CRELD disulfide isomerase 1; plus strand). Cytogenetic location: 3p25.3.
Variant type: single nucleotide variant.
Coding change: c.352A>G on transcript NM_001077415.3 (MANE Select); coding-DNA position 352, A replaced by G.
Protein change: p.Ser118Gly; replaces serine 118 with glycine.
Molecular consequence: missense variant. On other transcripts: non-coding transcript variant (3).
Genome position (GRCh38, 1-based): chr3:9,937,656, A>G. VCF-style: chr3-9937656-A-G. GRCh37 (hg19) VCF-style: chr3-9979340-A-G.
Other names: c.352A>G, p.Ser118Gly (NM_001031717.4, NM_001374316.1, NM_001374317.1 and 5 more transcripts); short protein forms S118G.
Identifiers: ClinVar variation 5002855 (VCV005002855.1).